The following is an entry in ClinVar:

NM_000051.4(ATM):c.4442C>T (p.Ser1481Phe)

Gene: ATM (ATM serine/threonine kinase; plus strand). Cytogenetic location: 11q22.3.
Variant type: single nucleotide variant.
Coding change: c.4442C>T on transcript NM_000051.4 (MANE Select); coding-DNA position 4442, C replaced by T.
Protein change: p.Ser1481Phe; replaces serine 1481 with phenylalanine.
Molecular consequence: missense variant.
Genome position (GRCh38, 1-based): chr11:108,292,624, C>T. VCF-style: chr11-108292624-C-T. GRCh37 (hg19) VCF-style: chr11-108163351-C-T.
Other names: c.4442C>T, p.Ser1481Phe (NM_001351834.2); short protein forms S1481F.
Identifiers: ClinVar variation 216216 (VCV000216216.21), dbSNP rs863224572, ClinGen allele CA337580.

ClinVar aggregate classification (germline): Uncertain significance. Review status: criteria provided, multiple submitters, no conflicts (2 of 4 stars). 5 submissions from 5 submitters: Uncertain significance (5). Last evaluated 2025-10-09.

Conditions:
Hereditary cancer-predisposing syndrome. Also called: Tumor predisposition; Hereditary Cancer Syndrome; Neoplastic Syndromes, Hereditary; Hereditary neoplastic syndrome. Identifiers: Orphanet 140162, MedGen C0027672, MeSH D009386, MONDO:0015356.
Familial cancer of breast. Also called: Hereditary breast cancer; BREAST CANCER, FAMILIAL; hereditary breast carcinoma. Identifiers: Orphanet 227535, MedGen C0346153, MONDO:0016419, OMIM 114480. Disease mechanism: loss of function.
Ataxia-telangiectasia syndrome (AT). Also called: Cerebello-oculocutaneous telangiectasia; Immunodeficiency with ataxia telangiectasia; Ataxia telangiectasia (A-T); LOUIS-BAR SYNDROME; ATAXIA-TELANGIECTASIA, COMPLEMENTATION GROUP A; ATAXIA-TELANGIECTASIA, FRESNO VARIANT. Identifiers: Orphanet 100, MedGen C0004135, MONDO:0008840, OMIM 208900.

Allele frequency attached by ClinVar (database versions not stated): TOPMed below 0.00001; gnomAD 0.00001; gnomAD exomes 0.00001.
gnomAD v4.1: 9 of 1,613,404 alleles (0.00056%); highest among the groups gnomAD compares: Non-Finnish European, 0.00076%; no homozygotes.

Submissions (5):

Labcorp Genetics (formerly Invitae), Labcorp
Classification: Uncertain significance for Ataxia-telangiectasia syndrome. Last evaluated: 2025-10-09. Review status: criteria provided, single submitter. Criteria: Invitae Variant Classification Sherloc (09022015). Collection method: clinical testing. Allele origin: germline.
Comment: This sequence change replaces serine, which is neutral and polar, with phenylalanine, which is neutral and non-polar, at codon 1481 of the ATM protein (p.Ser1481Phe). This variant is not present in population databases (gnomAD no frequency). This missense change has been observed in individual(s) with breast cancer (PMID: 34326862). ClinVar contains an entry for this variant (Variation ID: 216216). Invitae Evidence Modeling of protein sequence and biophysical properties (such as structural, functional, and spatial information, amino acid conservation, physicochemical variation, residue mobility, and thermodynamic stability) indicates that this missense variant is not expected to disrupt ATM protein function with a negative predictive value of 95%. In summary, the available evidence is currently insufficient to determine the role of this variant in disease. Therefore, it has been classified as a Variant of Uncertain Significance.

GeneDx
Classification: Uncertain significance. Last evaluated: 2024-12-11. Review status: criteria provided, single submitter. Criteria: GeneDx Variant Classification Process June 2021. Collection method: clinical testing. Allele origin: germline. Affected: yes.
Comment: Not observed at significant frequency in large population cohorts (gnomAD); In silico analysis indicates that this missense variant does not alter protein structure/function; Observed in individuals with breast cancer (PMID: 34326862); This variant is associated with the following publications: (PMID: 34326862)

Ambry Genetics
Classification: Uncertain significance for Hereditary cancer-predisposing syndrome. Last evaluated: 2024-11-12. Review status: criteria provided, single submitter. Criteria: Ambry Variant Classification Scheme 2023. Collection method: clinical testing. Allele origin: germline.
Comment: The p.S1481F variant (also known as c.4442C>T), located in coding exon 29 of the ATM gene, results from a C to T substitution at nucleotide position 4442. The serine at codon 1481 is replaced by phenylalanine, an amino acid with highly dissimilar properties. This amino acid position is not well conserved in available vertebrate species. In addition, this alteration is predicted to be tolerated by in silico analysis. Since supporting evidence is limited at this time, the clinical significance of this alteration remains unclear.

Baylor Genetics
Classification: Uncertain significance for Familial cancer of breast. Last evaluated: 2024-03-21. Review status: criteria provided, single submitter. Criteria: ACMG Guidelines, 2015. Collection method: clinical testing. Allele origin: unknown.

Color Diagnostics, LLC DBA Color Health
Classification: Uncertain significance for Hereditary cancer-predisposing syndrome. Last evaluated: 2020-11-10. Review status: criteria provided, single submitter. Criteria: ACMG Guidelines, 2015. Collection method: clinical testing. Allele origin: germline.
Comment: This missense variant replaces serine with phenylalanine at codon 1481 of the ATM protein. Computational prediction suggests that this variant may not impact protein structure and function (internally defined REVEL score threshold <= 0.5, PMID: 27666373). To our knowledge, functional studies have not been reported for this variant. This variant has not been reported in individuals affected with hereditary cancer in the literature. This variant has not been identified in the general population by the Genome Aggregation Database (gnomAD). The available evidence is insufficient to determine the role of this variant in disease conclusively. Therefore, this variant is classified as a Variant of Uncertain Significance.

Literature cited by the submitters: PubMed 34326862 (cited by Labcorp Genetics (formerly Invitae), Labcorp).